The following is an entry in ClinVar:

ClinVar aggregate classification (germline): Uncertain significance (1 of 4 stars; one submission).

Conditions:
Chédiak-Higashi syndrome (CHS). Also called: Chediak-Higashi Syndrome. Identifiers: Orphanet 167, MedGen C0007965, MONDO:0008963, OMIM 214500.

Submission:

Labcorp Genetics (formerly Invitae), Labcorp
Classification: Uncertain significance for Chédiak-Higashi syndrome. Last evaluated: 2019-01-15. Review status: criteria provided, single submitter. Criteria: Invitae Variant Classification Sherloc (09022015). Collection method: clinical testing. Allele origin: germline.
Comment: Algorithms developed to predict the effect of missense changes on protein structure and function (SIFT, PolyPhen-2, Align-GVGD) all suggest that this variant is likely to be tolerated, but these predictions have not been confirmed by published functional studies and their clinical significance is uncertain. This variant has not been reported in the literature in individuals with LYST-related conditions. This variant is not present in population databases (ExAC no frequency). This sequence change replaces methionine with isoleucine at codon 972 of the LYST protein (p.Met972Ile). The methionine residue is weakly conserved and there is a small physicochemical difference between methionine and isoleucine. In summary, the available evidence is currently insufficient to determine the role of this variant in disease. Therefore, it has been classified as a Variant of Uncertain Significance.

NM_000081.4(LYST):c.2916G>A (p.Met972Ile)

Gene: LYST (lysosomal trafficking regulator; minus strand). Cytogenetic location: 1q42.3.
Variant type: single nucleotide variant.
Coding change: c.2916G>A on transcript NM_000081.4 (MANE Select); coding-DNA position 2916, G replaced by A.
Protein change: p.Met972Ile; replaces methionine 972 with isoleucine.
Molecular consequence: missense variant.
Genome position (GRCh38, 1-based): chr1:235,806,220, C>T on the plus strand (G>A on the coding strand, the complement: LYST is on the minus strand). VCF-style: chr1-235806220-C-T. GRCh37 (hg19) VCF-style: chr1-235969520-C-T.
Other names: c.2916G>A, p.Met972Ile (NM_001301365.1); short protein forms M972I.
Identifiers: ClinVar variation 855381 (VCV000855381.7), dbSNP rs2527076853, ClinGen allele CA344954665.
Genomic context (GRCh38, chr1:235,806,220, plus strand): 5'-CTTATGGCATACTCGGAAACCACCAAGCCTATAAAACTGTTTCTGGAACACTGAACTCAA[C>T]ATGTAGATCCAACGACACATAGACCAAATGTCTGCTGCTTGGTGCATATGTTCAGGAGAA-3'
Protein context (NP_000072.2, residues 962-982): DIWSMCRWIY[Met972Ile]LSSVFQKQFY